The following is an entry in ClinVar:

NM_004529.4(MLLT3):c.486C>T (p.Ser162=)

Gene: MLLT3 (MLLT3 super elongation complex subunit; minus strand). Cytogenetic location: 9p21.3.
Variant type: single nucleotide variant.
Coding change: c.486C>T on transcript NM_004529.4 (MANE Select); coding-DNA position 486, C replaced by T.
Protein change: p.Ser162=; no amino-acid change (serine 162 retained).
Molecular consequence: synonymous variant.
Genome position (GRCh38, 1-based): chr9:20,414,360, G>A on the plus strand (C>T on the coding strand, the complement: MLLT3 is on the minus strand). VCF-style: chr9-20414360-G-A. GRCh37 (hg19) VCF-style: chr9-20414358-G-A.
Other names: c.477C>T, p.Ser159= (NM_001286691.2).
Identifiers: ClinVar variation 4820728 (VCV004820728.4).
Genomic context (GRCh38, chr9:20,414,360, plus strand): 5'-ACTGCTGCTGCTACTGCTGCTGCTGCTGCTGCTGCTGCTGCTGCTACTGCTGCTGCTGCT[G>A]CTGCTGCTGCTGCTGCTACTGCTGCTGCTGCTGCTGCTGCTGGTATGAATACTCCTATTA-3'
Protein context (NP_004520.2, residues 152-172): SSSSSSSSSS[Ser162=]SSSSSSSSSS

ClinVar aggregate classification (germline): Likely benign (1 of 4 stars; one submission).

gnomAD v4.1: 2 of 1,604,450 alleles (0.00012%); highest among the groups gnomAD compares: South Asian, 0.0011%; no homozygotes.

Submission:

CeGaT Center for Human Genetics Tuebingen
Classification: Likely benign. Last evaluated: 2026-01-01. Review status: criteria provided, single submitter. Criteria: CeGaT Center For Human Genetics Tuebingen Variant Classification Criteria Version 2. Collection method: clinical testing. Allele origin: germline. Affected: yes. Observed: 1 variant allele.
Comment: MLLT3: BP4, BP7